The following is an entry in ClinVar:

ClinVar aggregate classification (germline): Conflicting classifications of pathogenicity. Review status: criteria provided, conflicting classifications (1 of 4 stars). 5 submissions from 5 submitters: Uncertain significance (2); Likely benign (2). 1 of the submissions does not count toward it. Last evaluated 2026-02-24.

Conditions:
Inborn genetic diseases. Identifiers: MedGen C0950123, MeSH D030342.
Autosomal recessive nonsyndromic hearing loss 3. Also called: NEUROSENSORY NONSYNDROMIC RECESSIVE DEAFNESS 3. Identifiers: Orphanet 90636, MedGen C1838263, MONDO:0010860, OMIM 600316.
MYO15A-related disorder. Also called: MYO15A-related condition.

Allele frequency attached by ClinVar (database versions not stated): gnomAD exomes 0.00006 and 0.00033; gnomAD 0.00024 and 0.00025; TOPMed 0.00027; ExAC 0.00036; 1000 Genomes Project 30x 0.00125; 1000 Genomes Project 0.00140.
gnomAD v4.1: 167 of 1,612,390 alleles (0.01%); highest among the groups gnomAD compares: East Asian, 0.23%; no homozygotes.

Submissions (5):

Ambry Genetics
Classification: Uncertain significance for Inborn genetic diseases. Last evaluated: 2026-02-24. Review status: criteria provided, single submitter. Criteria: Ambry Variant Classification Scheme 2023. Collection method: clinical testing. Allele origin: germline.

Labcorp Genetics (formerly Invitae), Labcorp
Classification: Likely benign. Last evaluated: 2025-10-21. Review status: criteria provided, single submitter. Criteria: Invitae Variant Classification Sherloc (09022015). Collection method: clinical testing. Allele origin: germline.

Department of Pathology and Laboratory Medicine, Sinai Health System
Classification: Uncertain significance for Autosomal recessive nonsyndromic hearing loss 3. Last evaluated: 2021-12-03. Review status: criteria provided, single submitter. Criteria: ACMG Guidelines, 2015. Collection method: research. Allele origin: germline.

GeneDx
Classification: Likely benign. Last evaluated: 2020-12-31. Review status: criteria provided, single submitter. Criteria: GeneDx Variant Classification Process June 2021. Collection method: clinical testing. Allele origin: germline. Affected: yes.

PreventionGenetics, part of Exact Sciences
Classification: Likely benign for MYO15A-related condition. Last evaluated: 2022-02-14. Review status: no assertion criteria provided. Collection method: clinical testing. Allele origin: germline. Not counted in ClinVar's aggregate classification.
Comment: This variant is classified as likely benign based on ACMG/AMP sequence variant interpretation guidelines (Richards et al. 2015 PMID: 25741868, with internal and published modifications).

NM_016239.4(MYO15A):c.250T>A (p.Ser84Thr)

Gene: MYO15A (myosin XVA; plus strand). Cytogenetic location: 17p11.2.
Variant type: single nucleotide variant.
Coding change: c.250T>A on transcript NM_016239.4 (MANE Select); coding-DNA position 250, T replaced by A.
Protein change: p.Ser84Thr; replaces serine 84 with threonine.
Molecular consequence: missense variant.
Genome position (GRCh38, 1-based): chr17:18,119,050, T>A. VCF-style: chr17-18119050-T-A. GRCh37 (hg19) VCF-style: chr17-18022364-T-A.
Other names: short protein forms S84T.
Identifiers: ClinVar variation 727010 (VCV000727010.16), dbSNP rs188609046, ClinGen allele CA8422791.